The following is an entry in ClinVar:

ClinVar aggregate classification (germline): Likely benign. Review status: criteria provided, multiple submitters, no conflicts (2 of 4 stars). 2 submissions from 2 submitters: Likely benign (2). Last evaluated 2025-12-31.

Conditions:
Cardiovascular phenotype. Identifiers: MedGen CN230736.

gnomAD v4.1: 27 of 1,611,422 alleles (0.0017%); highest among the groups gnomAD compares: Middle Eastern, 0.017%; no homozygotes.

Submissions (2):

Ambry Genetics
Classification: Likely benign for Cardiovascular phenotype. Last evaluated: 2025-12-31. Review status: criteria provided, single submitter. Criteria: Ambry Variant Classification Scheme 2023. Collection method: clinical testing. Allele origin: germline.

Women's Health and Genetics/Laboratory Corporation of America, LabCorp
Classification: Likely benign. Last evaluated: 2025-12-22. Review status: criteria provided, single submitter. Criteria: LabCorp Variant Classification Summary - May 2015. Collection method: clinical testing. Allele origin: germline.
Comment: Variant summary: KCNJ5 c.1203T>G (p.Asn401Lys) results in a non-conservative amino acid change in the encoded protein sequence. Algorithms developed to predict the effect of missense changes on protein structure and function are either unavailable or do not agree on the potential impact of this missense change. The variant allele was found at a frequency of 1.6e-05 in 1604462 control chromosomes, predominantly at a frequency of 1.8e-05 within the Non-Finnish European subpopulation in the gnomAD database. The occurrence in several carriers suggests that this variant is likely not associated with a high penetrance, severe, early onset disease phenotype in heterozygous state. To our knowledge, no occurrence of c.1203T>G in individuals affected with KCNJ5-related conditions and no experimental evidence demonstrating its impact on protein function have been reported. No submitters have cited clinical-significance assessments for this variant to ClinVar. Based on the evidence outlined above, the variant was classified as likely benign.

NM_000890.5(KCNJ5):c.1203T>G (p.Asn401Lys)

Gene: KCNJ5 (potassium inwardly rectifying channel subfamily J member 5; plus strand). Cytogenetic location: 11q24.3.
Variant type: single nucleotide variant.
Coding change: c.1203T>G on transcript NM_000890.5 (MANE Select); coding-DNA position 1203, T replaced by G.
Protein change: p.Asn401Lys; replaces asparagine 401 with lysine.
Molecular consequence: missense variant.
Genome position (GRCh38, 1-based): chr11:128,916,674, T>G. VCF-style: chr11-128916674-T-G. GRCh37 (hg19) VCF-style: chr11-128786569-T-G.
Other names: c.1203T>G, p.Asn401Lys (NM_001354169.2); short protein forms N401K.
Identifiers: ClinVar variation 4688930 (VCV004688930.2).